The following is an entry in ClinVar:

ClinVar aggregate classification (germline): Uncertain significance. Review status: criteria provided, multiple submitters, no conflicts (2 of 4 stars). 2 submissions from 2 submitters: Uncertain significance (2). Last evaluated 2023-05-02.

Conditions:
Wieacker-Wolff syndrome. Also called: Miles-Carpenter syndrome; APRAXIA, OCULOMOTOR, WITH CONGENITAL CONTRACTURES AND MUSCLE ATROPHY; MENTAL RETARDATION, X-LINKED, SYNDROMIC 4; MENTAL RETARDATION, X-LINKED, WITH CONGENITAL CONTRACTURES AND LOW FINGERTIP ARCHES; Intellectual disability-developmental delay-contractures syndrome; Wieacker-Wolff, X-linked recessive. Identifiers: Orphanet 3454, Orphanet 85283, MedGen C0796200, MONDO:0010758, OMIM 314580.

Submissions (2):

Broad Center for Mendelian Genomics, Broad Institute of MIT and Harvard
Classification: Uncertain significance for Wieacker-Wolff syndrome. Last evaluated: 2023-05-02. Review status: criteria provided, single submitter. Criteria: ACMG Guidelines, 2015. Collection method: curation. Allele origin: germline. Inheritance: X-linked inheritance.
Comment: The c.561+7G>A variant in ZC4H2 has not been previously reported in individuals with Wieacker-Wolff syndrome. This variant was absent from large population studies. This variant has also been reported in ClinVar (Variation ID: 982608) and has been interpreted as a variant of uncertain significance by the University of Leipzig Institute of Medical Genetics. This variant is located in the 5' splice region. Computational tools do not suggest an impact to splicing. However, this information is not predictive enough to rule out pathogenicity. In summary, the clinical significance of the c.561+7G>A variant is uncertain. ACMG/AMP Criteria applied: PM2_Supporting (Richards 2015).

Institute of Human Genetics, University of Leipzig Medical Center
Classification: Uncertain significance for Wieacker-Wolff syndrome. Last evaluated: 2019-01-01. Review status: criteria provided, single submitter. Criteria: ACMG Guidelines, 2015. Collection method: clinical testing. Allele origin: unknown. Affected: yes.

NM_018684.4(ZC4H2):c.561+7G>A

Gene: ZC4H2 (zinc finger C4H2-type containing; minus strand). Cytogenetic location: Xq11.2.
Variant type: single nucleotide variant.
Coding change: c.561+7G>A on transcript NM_018684.4 (MANE Select); 7 bases into the intron after coding-DNA position 561, G replaced by A.
Molecular consequence: intron variant.
Genome position (GRCh38, 1-based): chrX:64,919,035, C>T on the plus strand (G>A on the coding strand, the complement: ZC4H2 is on the minus strand). VCF-style: chrX-64919035-C-T. GRCh37 (hg19) VCF-style: chrX-64138915-C-T.
Other names: c.492+7G>A (NM_001243804.2, NM_001178032.3); c.398+1046G>A (NM_001178033.3).
Identifiers: ClinVar variation 982608 (VCV000982608.2), dbSNP rs1929057022, ClinGen allele CA1139667600.